The following is an entry in ClinVar:

NM_001291867.2(NHS):c.4783A>C (p.Thr1595Pro)

Gene: NHS (NHS actin remodeling regulator; plus strand). Cytogenetic location: Xp22.13.
Variant type: single nucleotide variant.
Coding change: c.4783A>C on transcript NM_001291867.2 (MANE Select); coding-DNA position 4783, A replaced by C.
Protein change: p.Thr1595Pro; replaces threonine 1595 with proline.
Molecular consequence: missense variant.
Genome position (GRCh38, 1-based): chrX:17,732,291, A>C. VCF-style: chrX-17732291-A-C. GRCh37 (hg19) VCF-style: chrX-17750411-A-C.
Other names: c.4252A>C, p.Thr1418Pro (NM_001136024.4); c.4189A>C, p.Thr1397Pro (NM_001291868.2); c.4720A>C, p.Thr1574Pro (NM_198270.4); short protein forms T1574P, T1397P, T1595P, T1418P.
Identifiers: ClinVar variation 198926 (VCV000198926.6), dbSNP rs794727936, ClinGen allele CA247831.

ClinVar aggregate classification (germline): Uncertain significance. Review status: criteria provided, multiple submitters, no conflicts (2 of 4 stars). 2 submissions from 2 submitters: Uncertain significance (2). Last evaluated 2019-08-16.

Conditions:
Cataract 40 (CTRCT40). Also called: Cataract 40, X-linked; CATARACT 40 WITH OR WITHOUT MICROCORNEA; CATARACT, CONGENITAL TOTAL, WITH POSTERIOR SUTURAL OPACITIES IN HETEROZYGOTES. Identifiers: Orphanet 91492, MedGen C4049004, MONDO:0010544, OMIM 302200.

Submissions (2):

Baylor Genetics
Classification: Uncertain significance for Cataract 40. Last evaluated: 2019-08-16. Review status: criteria provided, single submitter. Criteria: ACMG Guidelines, 2015. Collection method: clinical testing. Allele origin: unknown. Affected: yes.
Comment: This variant was determined to be of uncertain significance according to ACMG Guidelines, 2015 [PMID:25741868].

Eurofins Ntd Llc (ga)
Classification: Uncertain significance. Last evaluated: 2017-11-20. Review status: criteria provided, single submitter. Criteria: EGL Classification Definitions 2015. Collection method: clinical testing. Allele origin: germline. Observed: 1 variant allele, 1 heterozygote.